The following is an entry in ClinVar:

ClinVar aggregate classification (germline): Likely benign. Review status: criteria provided, multiple submitters, no conflicts (2 of 4 stars). 3 submissions from 3 submitters: Likely benign (2). 1 of the submissions does not count toward it. Last evaluated 2025-11-29.

Conditions:
PODXL-related disorder. Also called: PODXL-related condition.

Allele frequency attached by ClinVar (database versions not stated): gnomAD exomes 0.00014; ExAC 0.00016; TOPMed 0.00047; gnomAD 0.00050 and 0.00051; ESP Exome Variant Server 0.00054; 1000 Genomes Project 30x 0.00062; 1000 Genomes Project 0.00080.
gnomAD v4.1: 189 of 1,614,162 alleles (0.012%); highest among the groups gnomAD compares: African/African-American, 0.17%; no homozygotes.

Submissions (3):

Labcorp Genetics (formerly Invitae), Labcorp
Classification: Likely benign. Last evaluated: 2025-11-29. Review status: criteria provided, single submitter. Criteria: Invitae Variant Classification Sherloc (09022015). Collection method: clinical testing. Allele origin: germline.

Breakthrough Genomics
Classification: Likely benign. Review status: criteria provided, single submitter. Criteria: ACMG Guidelines, 2015. Collection method: not provided. Allele origin: germline. Inheritance: Unknown mechanism. Affected: yes.

PreventionGenetics, part of Exact Sciences
Classification: Likely benign for PODXL-related condition. Last evaluated: 2023-04-26. Review status: no assertion criteria provided. Collection method: clinical testing. Allele origin: germline. Not counted in ClinVar's aggregate classification.
Comment: This variant is classified as likely benign based on ACMG/AMP sequence variant interpretation guidelines (Richards et al. 2015 PMID: 25741868, with internal and published modifications).

NM_001018111.3(PODXL):c.1618G>A (p.Val540Ile)

Gene: PODXL (podocalyxin like; minus strand). Cytogenetic location: 7q32.3.
Variant type: single nucleotide variant.
Coding change: c.1618G>A on transcript NM_001018111.3 (MANE Select); coding-DNA position 1618, G replaced by A.
Protein change: p.Val540Ile; replaces valine 540 with isoleucine.
Molecular consequence: missense variant.
Genome position (GRCh38, 1-based): chr7:131,504,370, C>T on the plus strand (G>A on the coding strand, the complement: PODXL is on the minus strand). VCF-style: chr7-131504370-C-T. GRCh37 (hg19) VCF-style: chr7-131189129-C-T.
Other names: c.1522G>A, p.Val508Ile (NM_005397.4); c.1522G>A (NM_005397.3); short protein forms V508I, V540I.
Identifiers: ClinVar variation 1528298 (VCV001528298.11), dbSNP rs139425581, ClinGen allele CA4488304.